The following is an entry in ClinVar:

NM_001807.6(CEL):c.341-83C>T

Gene: CEL (carboxyl ester lipase; plus strand). Cytogenetic location: 9q34.13.
Variant type: single nucleotide variant.
Coding change: c.341-83C>T on transcript NM_001807.6 (MANE Select); 83 bases into the intron before coding-DNA position 341, C replaced by T.
Molecular consequence: intron variant.
Genome position (GRCh38, 1-based): chr9:133,064,957, C>T. VCF-style: chr9-133064957-C-T. GRCh37 (hg19) VCF-style: chr9-135940344-C-T.
Identifiers: ClinVar variation 2665071 (VCV002665071.1), dbSNP rs904614219, ClinGen allele CA200918859.

ClinVar aggregate classification (germline): Uncertain significance (1 of 4 stars; one submission).

Conditions:
Maturity-onset diabetes of the young type 8 (MODY8). Also called: DIABETES AND PANCREATIC EXOCRINE DYSFUNCTION; DIABETES-PANCREATIC EXOCRINE DYSFUNCTION SYNDROME. Identifiers: Orphanet 552, MedGen C1853297, MONDO:0012348, OMIM 609812.

Allele frequency attached by ClinVar (database versions not stated): gnomAD exomes 0.00002; TOPMed 0.00002; gnomAD 0.00003.
gnomAD v4.1: 32 of 1,577,360 alleles (0.002%); highest among the groups gnomAD compares: Non-Finnish European, 0.0021%; no homozygotes.

Submission:

New York Genome Center
Classification: Uncertain significance for Maturity-onset diabetes of the young type 8. Last evaluated: 2023-04-03. Review status: criteria provided, single submitter. Criteria: NYGC Assertion Criteria 2020. Collection method: clinical testing. Allele origin: germline. Observed: 1 heterozygote.
Comment: The heterozygous c.341-83C>T intronic variant identified in the CEL gene has not been reported in affected individuals in the literature or in the ClinVar database. The c.341-83C>T variant is observed in 5 out of ~559,000 heterozygous alleles (~0.000009 minor allele frequency, no homozygote) in population databases (gnomAD v2.1.1 and v3.1.2, TOPMed Freeze 8), suggesting it is not a common benign variant in the populations represented in those databases. The variant is located in intron 3 of this 11-exon gene and is predicted by in silico tools to alter the wild-type mRNA splicing (TRAP score = 0.33, SpliceAI delta score =0.29); however, functional studies to support or refute these predictions have not been reported. Based on the available evidence, the c.341-83C>T intronic variant identified in the CEL gene is reported as a Variant of Uncertain Significance.